The following is an entry in ClinVar:

ClinVar aggregate classification (germline): Uncertain significance (1 of 4 stars; one submission).

Conditions:
Trichothiodystrophy 1, photosensitive (TTD1). Also called: TAY SYNDROME; TRICHOTHIODYSTROPHY WITH CONGENITAL ICHTHYOSIS; PIBIDS SYNDROME. Identifiers: Orphanet 33364, MedGen C1866504, MONDO:0011125, OMIM 601675.

Allele frequency attached by ClinVar (database versions not stated): gnomAD 0.00001; TOPMed below 0.00001; gnomAD exomes below 0.00001.

Submission:

Baylor Genetics
Classification: Uncertain significance for Trichothiodystrophy 1, photosensitive. Last evaluated: 2021-02-09. Review status: criteria provided, single submitter. Criteria: ACMG Guidelines, 2015. Collection method: clinical testing. Allele origin: unknown. Affected: yes. Study: CSER-TexasKidsCanSeq.
Comment: This variant was determined to be of uncertain significance according to ACMG Guidelines, 2015 [PMID:25741868].

NM_000400.4(ERCC2):c.1843G>A (p.Gly615Arg)

Gene: ERCC2 (ERCC excision repair 2, TFIIH core complex helicase subunit; minus strand). Cytogenetic location: 19q13.32.
Variant type: single nucleotide variant.
Coding change: c.1843G>A on transcript NM_000400.4 (MANE Select); coding-DNA position 1843, G replaced by A.
Protein change: p.Gly615Arg; replaces glycine 615 with arginine.
Molecular consequence: missense variant.
Genome position (GRCh38, 1-based): chr19:45,352,805, C>T on the plus strand (G>A on the coding strand, the complement: ERCC2 is on the minus strand). VCF-style: chr19-45352805-C-T. GRCh37 (hg19) VCF-style: chr19-45856063-C-T.
Other names: short protein forms G615R.
Identifiers: ClinVar variation 1327087 (VCV001327087.1), dbSNP rs1309347920, ClinGen allele CA406363916.